The following is an entry in ClinVar:

ClinVar aggregate classification (germline): Uncertain significance (1 of 4 stars; one submission).

Conditions:
Costello syndrome (CSTLO). Also called: HRAS-Related Costello Syndrome; FACIOCUTANEOSKELETAL SYNDROME; FCS SYNDROME. Identifiers: Orphanet 3071, MedGen C0587248, MONDO:0009026, OMIM 218040.

gnomAD v4.1: 4 of 1,613,188 alleles (0.00025%); highest among the groups gnomAD compares: Non-Finnish European, 0.00025%; no homozygotes.

Submission:

Labcorp Genetics (formerly Invitae), Labcorp
Classification: Uncertain significance for Costello syndrome. Last evaluated: 2023-11-03. Review status: criteria provided, single submitter. Criteria: Invitae Variant Classification Sherloc (09022015). Collection method: clinical testing. Allele origin: germline.
Comment: This sequence change replaces arginine, which is basic and polar, with leucine, which is neutral and non-polar, at codon 169 of the HRAS protein (p.Arg169Leu). This variant is not present in population databases (gnomAD no frequency). This variant has not been reported in the literature in individuals affected with HRAS-related conditions. ClinVar contains an entry for this variant (Variation ID: 1035699). Advanced modeling of protein sequence and biophysical properties (such as structural, functional, and spatial information, amino acid conservation, physicochemical variation, residue mobility, and thermodynamic stability) performed at Invitae indicates that this missense variant is not expected to disrupt HRAS protein function with a negative predictive value of 95%. In summary, the available evidence is currently insufficient to determine the role of this variant in disease. Therefore, it has been classified as a Variant of Uncertain Significance.

NM_005343.4(HRAS):c.506G>T (p.Arg169Leu)

Genes: HRAS (HRas proto-oncogene, GTPase; minus strand), LRRC56 (leucine rich repeat containing 56; plus strand). Cytogenetic location: 11p15.5.
Variant type: single nucleotide variant.
Coding change: c.506G>T on transcript NM_005343.4 (MANE Select); coding-DNA position 506, G replaced by T.
Protein change: p.Arg169Leu; replaces arginine 169 with leucine.
Molecular consequence: missense variant. On other transcripts: 3 prime UTR variant (1).
Genome position (GRCh38, 1-based): chr11:532,700, C>A on the plus strand (G>T on the coding strand, the complement: HRAS is on the minus strand). VCF-style: chr11-532700-C-A. GRCh37 (hg19) VCF-style: chr11-532700-C-A.
Other names: c.506G>T, p.Arg169Leu (NM_001130442.3); c.269G>T, p.Arg90Leu (NM_001318054.2); c.*75G>T (NM_176795.5); short protein forms R169L, R90L.
Identifiers: ClinVar variation 1035699 (VCV001035699.9), dbSNP rs142218590, ClinGen allele CA378921116.
Genomic context (GRCh38, chr11:532,700, plus strand): 5'-GAGAGCACACACTTGCAGCTCATGCAGCCGGGGCCACTCTCATCAGGAGGGTTCAGCTTC[C>A]GCAGCTTGTGCTGCCGGATCTCACGCACCAACGTGTAGAAGGCATCCTCCACTCCCTGGG-3'
Protein context (NP_005334.1, residues 159-179): LVREIRQHKL[Arg169Leu]KLNPPDESGP